The following is an entry in ClinVar:

NM_004453.4(ETFDH):c.1691-204T>C

Gene: ETFDH (electron transfer flavoprotein dehydrogenase; plus strand). Cytogenetic location: 4q32.1.
Variant type: single nucleotide variant.
Coding change: c.1691-204T>C on transcript NM_004453.4 (MANE Select); 204 bases into the intron before coding-DNA position 1691, T replaced by C.
Molecular consequence: intron variant.
Genome position (GRCh38, 1-based): chr4:158,708,160, T>C. VCF-style: chr4-158708160-T-C. GRCh37 (hg19) VCF-style: chr4-159629312-T-C.
Other names: c.1550-204T>C (NM_001281737.2); c.1508-204T>C (NM_001281738.1).
Identifiers: ClinVar variation 4875364 (VCV004875364.2).

ClinVar aggregate classification (germline): Likely benign (1 of 4 stars; one submission).

gnomAD v4.1: 1 of 152,224 alleles (0.00066%); highest among the groups gnomAD compares: African/African-American, 0.0024%; no homozygotes.

Submission:

CeGaT Center for Human Genetics Tuebingen
Classification: Likely benign. Last evaluated: 2026-06-01. Review status: criteria provided, single submitter. Criteria: CeGaT Center For Human Genetics Tuebingen Variant Classification Criteria Version 2. Collection method: clinical testing. Allele origin: germline. Affected: yes. Observed: 1 variant allele.
Comment: ETFDH: BP4, BP7